The following is an entry in ClinVar:

ClinVar aggregate classification (germline): Uncertain significance (1 of 4 stars; one submission).

Conditions:
Charcot-Marie-Tooth disease axonal type 2Z. Also called: CHARCOT-MARIE-TOOTH DISEASE, AXONAL, AUTOSOMAL DOMINANT, TYPE 2Z; CHARCOT-MARIE-TOOTH NEUROPATHY, TYPE 2Z. Identifiers: Orphanet 466768, MedGen C5569025, MONDO:0014736, OMIM 616688.

Submission:

Labcorp Genetics (formerly Invitae), Labcorp
Classification: Uncertain significance for Charcot-Marie-Tooth disease axonal type 2Z. Last evaluated: 2019-02-05. Review status: criteria provided, single submitter. Criteria: Invitae Variant Classification Sherloc (09022015). Collection method: clinical testing. Allele origin: germline.
Comment: In summary, the available evidence is currently insufficient to determine the role of this variant in disease. Therefore, it has been classified as a Variant of Uncertain Significance. The current clinical and genetic evidence is not sufficient to establish whether loss-of-function variants in MORC2 cause disease. This variant has not been reported in the literature in individuals with MORC2-related disease. This variant is not present in population databases (ExAC no frequency). This sequence change creates a premature translational stop signal (p.Lys361Asnfs*5) in the MORC2 gene. It is expected to result in an absent or disrupted protein product.

NM_001303256.3(MORC2):c.1083_1086del (p.Lys361fs)

Gene: MORC2 (MORC family CW-type zinc finger 2; minus strand). Cytogenetic location: 22q12.2.
Variant type: Deletion.
Coding change: c.1083_1086del on transcript NM_001303256.3 (MANE Select); coding-DNA positions 1083 to 1086, 4 bases deleted (AGAA; older notation c.1083_1086delAGAA).
Protein change: p.Lys361fs; shifts the reading frame from lysine 361.
Molecular consequence: frameshift variant.
Genome position (GRCh38, 1-based): chr22:30,938,193-30,938,196, TTCT deleted on the plus strand (AGAA on the coding strand, the reverse complement: MORC2 is on the minus strand); deleting any 4 consecutive bases within chr22:30,938,193-30,938,198 gives the same sequence; the c. name uses the placement nearest the transcript's 3' end. VCF-style (leftmost placement, unchanged base first): chr22-30938192-GTTCT-G. GRCh37 (hg19) VCF-style: chr22-31334179-GTTCT-G.
Other names: c.1083_1086del, p.Lys361fs (NM_001303257.2); c.897_900del, p.Lys299fs (NM_014941.3); c.1083_1086del (NM_001303256.2); short protein forms K299fs, K361fs.
Identifiers: ClinVar variation 661601 (VCV000661601.9), dbSNP rs1602486072, ClinGen allele CA915952728.
Genomic context (GRCh38, chr22:30,938,192, plus strand): 5'-ACATGCCATCCAGATCCCGGTGTTCAATGTTGACACCAAAAACAAAATTCAGTTCCTTAG[GTTCT>G]TTAAGTGCTCTAAGAAGACAAAAAAACTCAAGCAGATCTACACATCGGCACACAAGCACC-3'